The following is an entry in ClinVar:

NM_007194.4(CHEK2):c.315T>G (p.Asn105Lys)

Gene: CHEK2 (checkpoint kinase 2; minus strand). Cytogenetic location: 22q12.1.
Variant type: single nucleotide variant.
Coding change: c.315T>G on transcript NM_007194.4 (MANE Select); coding-DNA position 315, T replaced by G.
Protein change: p.Asn105Lys; replaces asparagine 105 with lysine.
Molecular consequence: missense variant.
Genome position (GRCh38, 1-based): chr22:28,734,407, A>C on the plus strand (T>G on the coding strand, the complement: CHEK2 is on the minus strand). VCF-style: chr22-28734407-A-C. GRCh37 (hg19) VCF-style: chr22-29130395-A-C.
Other names: c.315T>G, p.Asn105Lys (NM_001349956.3, NM_145862.3, NM_001005735.3); c.-463T>G (NM_001257387.3); short protein forms N105K.
Identifiers: ClinVar variation 863514 (VCV000863514.10), dbSNP rs1555932027, ClinGen allele CA411090172.

ClinVar aggregate classification (germline): Uncertain significance (1 of 4 stars; one submission).

Conditions:
Familial cancer of breast. Also called: Hereditary breast cancer; BREAST CANCER, FAMILIAL; hereditary breast carcinoma. Identifiers: Orphanet 227535, MedGen C0346153, MONDO:0016419, OMIM 114480. Disease mechanism: loss of function.

Submission:

Labcorp Genetics (formerly Invitae), Labcorp
Classification: Uncertain significance for Familial cancer of breast. Last evaluated: 2019-03-22. Review status: criteria provided, single submitter. Criteria: Invitae Variant Classification Sherloc (09022015). Collection method: clinical testing. Allele origin: germline.
Comment: In summary, the available evidence is currently insufficient to determine the role of this variant in disease. Therefore, it has been classified as a Variant of Uncertain Significance. Algorithms developed to predict the effect of missense changes on protein structure and function are either unavailable or do not agree on the potential impact of this missense change (SIFT: "Deleterious"; PolyPhen-2: "Possibly Damaging"; Align-GVGD: "Class C0"). This variant has not been reported in the literature in individuals with CHEK2-related conditions. This variant is not present in population databases (ExAC no frequency). This sequence change replaces asparagine with lysine at codon 105 of the CHEK2 protein (p.Asn105Lys). The asparagine residue is highly conserved and there is a moderate physicochemical difference between asparagine and lysine.